The following is an entry in ClinVar:

ClinVar aggregate classification (germline): Uncertain significance (1 of 4 stars; one submission).

Conditions:
Bardet-Biedl syndrome (BBS). Identifiers: Orphanet 110, MedGen C0752166, MONDO:0015229.

Allele frequency attached by ClinVar (database versions not stated): TOPMed below 0.00001; gnomAD 0.00001.
gnomAD v4.1: 34 of 1,614,066 alleles (0.0021%); highest among the groups gnomAD compares: South Asian, 0.0055%; no homozygotes.

Submission:

Labcorp Genetics (formerly Invitae), Labcorp
Classification: Uncertain significance for Bardet-Biedl syndrome. Last evaluated: 2021-09-01. Review status: criteria provided, single submitter. Criteria: Invitae Variant Classification Sherloc (09022015). Collection method: clinical testing. Allele origin: germline.
Comment: This sequence change replaces arginine with histidine at codon 60 of the TRIM32 protein (p.Arg60His). The arginine residue is highly conserved and there is a small physicochemical difference between arginine and histidine. This variant is present in population databases (rs751028044, ExAC 0.003%). This variant has not been reported in the literature in individuals affected with TRIM32-related conditions. Algorithms developed to predict the effect of missense changes on protein structure and function are either unavailable or do not agree on the potential impact of this missense change (SIFT: "Deleterious"; PolyPhen-2: "Benign"; Align-GVGD: "Class C25"). In summary, the available evidence is currently insufficient to determine the role of this variant in disease. Therefore, it has been classified as a Variant of Uncertain Significance.

NM_012210.4(TRIM32):c.179G>A (p.Arg60His)

Genes: ASTN2 (astrotactin 2; minus strand), TRIM32 (tripartite motif containing 32; plus strand). Cytogenetic location: 9q33.1.
Variant type: single nucleotide variant.
Coding change: c.179G>A on transcript NM_012210.4 (MANE Select); coding-DNA position 179, G replaced by A.
Protein change: p.Arg60His; replaces arginine 60 with histidine.
Molecular consequence: missense variant. On other transcripts: intron variant (3).
Genome position (GRCh38, 1-based): chr9:116,697,921, G>A. VCF-style: chr9-116697921-G-A. GRCh37 (hg19) VCF-style: chr9-119460200-G-A.
Other names: c.179G>A, p.Arg60His (NM_001099679.2, NM_001379048.1, NM_001379049.1 and 1 more transcripts); c.2653+27850C>T (NM_014010.5); c.2794+27850C>T (NM_001365069.1); c.2806+27850C>T (NM_001365068.1); short protein forms R60H.
Identifiers: ClinVar variation 1054865 (VCV001054865.6), dbSNP rs751028044, ClinGen allele CA5210917.